The following is an entry in ClinVar:

ClinVar aggregate classification (germline): Uncertain significance (1 of 4 stars; one submission).

Submission:

Dasa
Classification: Uncertain significance. Last evaluated: 2026-02-26. Review status: criteria provided, single submitter. Criteria: DASA Assertion Criteria. Collection method: clinical testing. Allele origin: germline.
Comment: NM_001394062.1(MACF1):c.435+4A>G is a splice-region variant. This variant is rare in population databases. Computational prediction algorithms are consistent with a benign effect. The currently available literature and clinical evidence are not sufficient to establish a definitive association between this variant and the reported condition. Therefore, this variant is classified as a variant of uncertain significance.

NM_001394062.1(MACF1):c.435+4A>G

Gene: MACF1 (microtubule actin crosslinking factor 1; plus strand). Cytogenetic location: 1p34.3.
Variant type: single nucleotide variant.
Coding change: c.435+4A>G on transcript NM_001394062.1 (MANE Select); 4 bases into the intron after coding-DNA position 435, A replaced by G.
Molecular consequence: intron variant.
Genome position (GRCh38, 1-based): chr1:39,254,379, A>G. VCF-style: chr1-39254379-A-G. GRCh37 (hg19) VCF-style: chr1-39720051-A-G.
Other names: c.450+4A>G (NM_012090.5).
Identifiers: ClinVar variation 4881789 (VCV004881789.2).